The following is an entry in ClinVar:

ClinVar aggregate classification (germline): Uncertain significance. Review status: criteria provided, multiple submitters, no conflicts (2 of 4 stars). 2 submissions from 2 submitters: Uncertain significance (2). Last evaluated 2025-07-28.

Conditions:
Hereditary cancer-predisposing syndrome. Also called: Hereditary neoplastic syndrome; Neoplastic Syndromes, Hereditary; Hereditary Cancer Syndrome; Tumor predisposition. Identifiers: Orphanet 140162, MedGen C0027672, MeSH D009386, MONDO:0015356.
Neuroblastoma, susceptibility to, 3. Also called: ALK-Related Neuroblastic Tumor Susceptibility. Identifiers: Orphanet 635, MedGen C2751681, MONDO:0013083, OMIM 613014.

Submissions (2):

Ambry Genetics
Classification: Uncertain significance for Hereditary cancer-predisposing syndrome. Last evaluated: 2025-07-28. Review status: criteria provided, single submitter. Criteria: Ambry Variant Classification Scheme 2023. Collection method: clinical testing. Allele origin: germline.
Comment: The p.I1322M variant (also known as c.3966C>G), located in coding exon 27 of the ALK gene, results from a C to G substitution at nucleotide position 3966. The isoleucine at codon 1322 is replaced by methionine, an amino acid with highly similar properties. This amino acid position is highly conserved in available vertebrate species. In addition, this alteration is predicted to be deleterious by in silico analysis. Based on the available evidence, the clinical significance of this variant remains unclear.

Labcorp Genetics (formerly Invitae), Labcorp
Classification: Uncertain significance for Neuroblastoma, susceptibility to, 3. Last evaluated: 2022-08-09. Review status: criteria provided, single submitter. Criteria: Invitae Variant Classification Sherloc (09022015). Collection method: clinical testing. Allele origin: germline.
Comment: This sequence change replaces isoleucine, which is neutral and non-polar, with methionine, which is neutral and non-polar, at codon 1322 of the ALK protein (p.Ile1322Met). In summary, the available evidence is currently insufficient to determine the role of this variant in disease. Therefore, it has been classified as a Variant of Uncertain Significance. Algorithms developed to predict the effect of missense changes on protein structure and function are either unavailable or do not agree on the potential impact of this missense change (SIFT: "Deleterious"; PolyPhen-2: "Probably Damaging"; Align-GVGD: "Class C0"). ClinVar contains an entry for this variant (Variation ID: 1415584). This variant has not been reported in the literature in individuals affected with ALK-related conditions. This variant is not present in population databases (gnomAD no frequency).

NM_004304.5(ALK):c.3966C>G (p.Ile1322Met)

Gene: ALK (ALK receptor tyrosine kinase; minus strand). Cytogenetic location: 2p23.2.
Variant type: single nucleotide variant.
Coding change: c.3966C>G on transcript NM_004304.5 (MANE Select); coding-DNA position 3966, C replaced by G.
Protein change: p.Ile1322Met; replaces isoleucine 1322 with methionine.
Molecular consequence: missense variant.
Genome position (GRCh38, 1-based): chr2:29,197,649, G>C on the plus strand (C>G on the coding strand, the complement: ALK is on the minus strand). VCF-style: chr2-29197649-G-C. GRCh37 (hg19) VCF-style: chr2-29420515-G-C.
Other names: c.3966C>G (NM_004304.4); c.762C>G, p.Ile254Met (NM_001353765.2); short protein forms I1322M, I254M.
Identifiers: ClinVar variation 1415584 (VCV001415584.9), dbSNP rs2148143567, ClinGen allele CA346466359.